The following is an entry in ClinVar:

ClinVar aggregate classification (germline): Uncertain significance (1 of 4 stars; one submission).

Conditions:
Infantile cataract, skin abnormalities, glutamate excess, and impaired intellectual development. Identifiers: MedGen C5193037, MONDO:0032685, OMIM 618339.

gnomAD v4.1: 1 of 1,544,520 alleles (0.000065%); highest among the groups gnomAD compares: Non-Finnish European, 0.000087%; no homozygotes.

Submission:

OLLIN Analises Genomicas, OLLIN
Classification: Uncertain significance for Infantile cataract, skin abnormalities, glutamate excess, and impaired intellectual development. Last evaluated: 2026-08-06. Review status: criteria provided, single submitter. Criteria: ACMG Guidelines 2015 PMID 25741868. Collection method: clinical testing. Allele origin: germline.
Comment: This missense variant, located in exon 1 (of 18), has been observed in gnomAD with an allele frequency of 0.000065%, but has not been reported in ClinVar or identified in the literature. In silico analysis predicts that this variant has a tolerated effect. This gene is constrained for missense variation. According to the currently available evidence, this variant has been classified as uncertain significance (PM2_P, PP2, BP4_M).

NM_014905.5(GLS):c.323G>A (p.Gly108Asp)

Genes: GLS (glutaminase; plus strand), LOC129935270 (ATAC-STARR-seq lymphoblastoid silent region 12188; plus strand). Cytogenetic location: 2q32.2.
Variant type: single nucleotide variant.
Coding change: c.323G>A on transcript NM_014905.5 (MANE Select); coding-DNA position 323, G replaced by A.
Protein change: p.Gly108Asp; replaces glycine 108 with aspartic acid.
Molecular consequence: missense variant.
Genome position (GRCh38, 1-based): chr2:190,881,407, G>A. VCF-style: chr2-190881407-G-A. GRCh37 (hg19) VCF-style: chr2-191746133-G-A.
Other names: c.323G>A, p.Gly108Asp (NM_001256310.2, NM_001437282.1, NM_001437283.1); short protein forms G108D.
Identifiers: ClinVar variation 5003058 (VCV005003058.1).